The following is an entry in ClinVar:

ClinVar aggregate classification (germline): Benign (1 of 4 stars; one submission).

gnomAD v4.1: 17,323 of 1,531,298 alleles (1.1%); highest among the groups gnomAD compares: Middle Eastern, 1.5%; 124 homozygotes.

Submission:

CeGaT Center for Human Genetics Tuebingen
Classification: Benign. Last evaluated: 2026-08-01. Review status: criteria provided, single submitter. Criteria: CeGaT Center For Human Genetics Tuebingen Variant Classification Criteria Version 2. Collection method: clinical testing. Allele origin: germline. Affected: yes. Observed: 22 variant alleles.
Comment: FMN2: BP4, BP7, BS1, BS2

NM_020066.5(FMN2):c.762G>A (p.Leu254=)

Gene: FMN2 (formin 2; plus strand). Cytogenetic location: 1q43.
Variant type: single nucleotide variant.
Coding change: c.762G>A on transcript NM_020066.5 (MANE Select); coding-DNA position 762, G replaced by A.
Protein change: p.Leu254=; no amino-acid change (leucine 254 retained).
Molecular consequence: synonymous variant.
Genome position (GRCh38, 1-based): chr1:240,092,871, G>A. VCF-style: chr1-240092871-G-A. GRCh37 (hg19) VCF-style: chr1-240256171-G-A.
Other names: c.762G>A, p.Leu254= (NM_001305424.2, NM_001348094.2).
Identifiers: ClinVar variation 3341558 (VCV003341558.16).
Genomic context (GRCh38, chr1:240,092,871, plus strand): 5'-GCCCCCCACTGCCGTCTCCCCTCAGCCCGGGGCCTTCCTGGGCCTGGACCGGTTCCTGCT[G>A]GGGCCGAGCGGCGGGGCTGGGGAGGCCCCGGGCAGTCCGGACACCGAGCAGGCGCTGTCC-3'
Protein context (NP_064450.3, residues 244-264): GAFLGLDRFL[Leu254=]GPSGGAGEAP